The following is an entry in ClinVar:

NM_000179.3(MSH6):c.3220_3221del (p.Met1074fs)

Gene: MSH6 (mutS homolog 6; plus strand). Cytogenetic location: 2p16.3.
Variant type: Deletion.
Coding change: c.3220_3221del on transcript NM_000179.3 (MANE Select); coding-DNA positions 3220 to 3221, 2 bases deleted (AT; older notation c.3220_3221delAT).
Protein change: p.Met1074fs; shifts the reading frame from methionine 1074.
Molecular consequence: frameshift variant.
Genome position (GRCh38, 1-based): chr2:47,803,467-47,803,468, AT deleted; deleting any 2 consecutive bases within chr2:47,803,466-47,803,468 gives the same sequence; the c. name uses the placement nearest the transcript's 3' end. VCF-style (leftmost placement, unchanged base first): chr2-47803465-CTA-C. GRCh37 (hg19) VCF-style: chr2-48030604-CTA-C.
Other names: c.3220_3221delAT (NM_000179.2); c.2830_2831del, p.Met944fs (NM_001281492.2); c.2314_2315del, p.Met772fs (NM_001281493.2, NM_001281494.2); short protein forms M772fs, M944fs, M1074fs.
Identifiers: ClinVar variation 433920 (VCV000433920.18), dbSNP rs1553331290, ClinGen allele CA645372554.

ClinVar aggregate classification (germline): Pathogenic/Likely pathogenic. Review status: criteria provided, multiple submitters, no conflicts (2 of 4 stars). 6 submissions from 6 submitters: Pathogenic (4); Likely pathogenic (1). 1 of the submissions does not count toward it. Last evaluated 2024-11-24.

Conditions:
Hereditary cancer-predisposing syndrome. Also called: Tumor predisposition; Neoplastic Syndromes, Hereditary; Hereditary Cancer Syndrome; Hereditary neoplastic syndrome. Identifiers: Orphanet 140162, MedGen C0027672, MeSH D009386, MONDO:0015356.
Hereditary nonpolyposis colorectal neoplasms. Identifiers: MedGen C0009405, MeSH D003123.
Lynch syndrome 5 (LYNCH5). Also called: Hereditary non-polyposis colorectal cancer, type 5; Colorectal cancer, hereditary nonpolyposis, type 5. Identifiers: Orphanet 144, MedGen C1833477, MONDO:0013710, OMIM 614350. Disease mechanism: loss of function.

Submissions (6):

Labcorp Genetics (formerly Invitae), Labcorp
Classification: Pathogenic for Hereditary nonpolyposis colorectal neoplasms. Last evaluated: 2024-11-24. Review status: criteria provided, single submitter. Criteria: Invitae Variant Classification Sherloc (09022015). Collection method: clinical testing. Allele origin: germline.
Comment: This sequence change creates a premature translational stop signal (p.Met1074Valfs*18) in the MSH6 gene. It is expected to result in an absent or disrupted protein product. Loss-of-function variants in MSH6 are known to be pathogenic (PMID: 18269114, 24362816). This variant is not present in population databases (gnomAD no frequency). This variant has not been reported in the literature in individuals affected with MSH6-related conditions. ClinVar contains an entry for this variant (Variation ID: 433920). For these reasons, this variant has been classified as Pathogenic.

Molecular Diagnostics Laboratory, Catalan Institute of Oncology
Classification: Likely pathogenic for Hereditary cancer-predisposing syndrome. Last evaluated: 2024-10-28. Review status: criteria provided, single submitter. Criteria: MMR VCEP Paper Draft V3.1. Collection method: clinical testing. Allele origin: germline.
Comment: PVS1, PM2_supporting c.3220_3221del, located in exon 5 of the MSH6 gene, consists in the deletion of 2 nucleotides, causing a translational frameshift with a predicted alternate stop codon, p.(Met1074Valfs*18), expected to result in loss of function by premature protein truncation before codon 1341 (PVS1). It is not present in the population database gnomAD v2.1.1, non-cancer dataset (PM2_supporting). To our knowledge, no well-established functional studies have been reported for this variant. This variant has been reported in the ClinVar database (4x pathogenic) and in LOVD (4x pathogenic), but it has not been classified by InSiGHT. Based on currently available information, the variant c.3220_3221del should be considered a likely pathogenic variant according to ACMG guidelines.

Myriad Genetics, Inc.
Classification: Pathogenic for Lynch syndrome 5. Last evaluated: 2023-08-22. Review status: criteria provided, single submitter. Criteria: Myriad Autosomal Dominant, Autosomal Recessive and X-Linked Classification Criteria (2023). Collection method: clinical testing. Allele origin: unknown.
Comment: This variant is considered pathogenic. This variant creates a frameshift predicted to result in premature protein truncation.

Ambry Genetics
Classification: Pathogenic for Hereditary cancer-predisposing syndrome. Last evaluated: 2022-11-18. Review status: criteria provided, single submitter. Criteria: Ambry Variant Classification Scheme 2023. Collection method: clinical testing. Allele origin: germline.
Comment: The c.3220_3221delAT pathogenic mutation, located in coding exon 5 of the MSH6 gene, results from a deletion of two nucleotides at nucleotide positions 3220 to 3221, causing a translational frameshift with a predicted alternate stop codon (p.M1074Vfs*18). This alteration is expected to result in loss of function by premature protein truncation or nonsense-mediated mRNA decay. As such, this alteration is interpreted as a disease-causing mutation.

Hadassah Hebrew University Medical Center
Classification: Pathogenic for Lynch syndrome 5. Review status: criteria provided, single submitter. Criteria: ACMG Guidelines, 2015. Collection method: research. Allele origin: germline. Affected: no. Observed: 1 variant allele.

Department of Pathology and Laboratory Medicine, Sinai Health System
Classification: Pathogenic. Review status: no assertion criteria provided. Collection method: clinical testing. Allele origin: unknown. Affected: yes. Observed: 1 variant allele. Study: The Canadian Open Genetics Repository (COGR). Not counted in ClinVar's aggregate classification.

Literature cited by the submitters: PubMed 18269114 (cited by Labcorp Genetics (formerly Invitae), Labcorp); PubMed 24362816 (cited by Labcorp Genetics (formerly Invitae), Labcorp).